The following is an entry in ClinVar:

ClinVar aggregate classification (germline): Uncertain significance (1 of 4 stars; one submission).

gnomAD v4.1: 1 of 1,603,824 alleles (0.000062%); highest among the groups gnomAD compares: Non-Finnish European, 0.000085%; no homozygotes.

Submission:

GeneDx
Classification: Uncertain significance. Last evaluated: 2025-07-31. Review status: criteria provided, single submitter. Criteria: GeneDx Variant Classification Process June 2021. Collection method: clinical testing. Allele origin: germline.
Comment: Not observed at significant frequency in large population cohorts (gnomAD); In silico analysis suggests that this missense variant does not alter protein structure/function; Has not been previously published as pathogenic or benign to our knowledge

NM_004168.4(SDHA):c.1823A>G (p.Lys608Arg)

Gene: SDHA (succinate dehydrogenase complex flavoprotein subunit A; plus strand). Cytogenetic location: 5p15.33.
Variant type: single nucleotide variant.
Coding change: c.1823A>G on transcript NM_004168.4 (MANE Select); coding-DNA position 1823, A replaced by G.
Protein change: p.Lys608Arg; replaces lysine 608 with arginine.
Molecular consequence: missense variant.
Genome position (GRCh38, 1-based): chr5:254,421, A>G. VCF-style: chr5-254421-A-G. GRCh37 (hg19) VCF-style: chr5-254536-A-G.
Other names: c.1679A>G, p.Lys560Arg (NM_001294332.2); c.1580A>G, p.Lys527Arg (NM_001330758.2); short protein forms K527R, K560R, K608R.
Identifiers: ClinVar variation 3367234 (VCV003367234.2).
Genomic context (GRCh38, chr5:254,421, plus strand): 5'-AATAAGAAACGTGATGGTGTTTCTGGCCTCAGGTGCGGATTGATGAGTACGATTACTCCA[A>G]GCCCATCCAGGGGCAACAGAAGAAGCCCTTTGAGGAGCACTGGAGGAAGCACACCCTGTC-3'
Protein context (NP_004159.2, residues 598-618): KVRIDEYDYS[Lys608Arg]PIQGQQKKPF